The following is an entry in ClinVar:

ClinVar aggregate classification (germline): Likely benign (0 of 4 stars; one submission).

Conditions:
GATA2-related disorder. Also called: GATA2-Related Disorders; GATA2-related condition.

Submission:

PreventionGenetics, part of Exact Sciences
Classification: Likely benign for GATA2-related condition. Last evaluated: 2023-09-14. Review status: no assertion criteria provided. Collection method: clinical testing. Allele origin: germline.
Comment: This variant is classified as likely benign based on ACMG/AMP sequence variant interpretation guidelines (Richards et al. 2015 PMID: 25741868, with internal and published modifications).

NM_032638.5(GATA2):c.-4G>T

Gene: GATA2 (GATA binding protein 2; minus strand). Cytogenetic location: 3q21.3.
Variant type: single nucleotide variant.
Coding change: c.-4G>T on transcript NM_032638.5 (MANE Select); 4 bases upstream of the start codon, G replaced by T.
Molecular consequence: 5 prime UTR variant.
Genome position (GRCh38, 1-based): chr3:128,487,035, C>A on the plus strand (G>T on the coding strand, the complement: GATA2 is on the minus strand). VCF-style: chr3-128487035-C-A. GRCh37 (hg19) VCF-style: chr3-128205878-C-A.
Other names: c.-4G>T (NM_001145661.2, NM_001145662.1).
Identifiers: ClinVar variation 3032314 (VCV003032314.2), dbSNP rs764717537, ClinGen allele CA1053349739.